The following is an entry in ClinVar:

ClinVar aggregate classification (germline): Conflicting classifications of pathogenicity. Review status: criteria provided, conflicting classifications (1 of 4 stars). 10 submissions from 10 submitters: Uncertain significance (1); Benign (2); Likely benign (5). 2 of the submissions do not count toward it. Last evaluated 2026-08-01.

Conditions:
Propionic acidemia (PROP). Also called: GLYCINEMIA, KETOTIC; HYPERGLYCINEMIA WITH KETOACIDOSIS AND LEUKOPENIA; KETOTIC HYPERGLYCINEMIA. Identifiers: Orphanet 35, MedGen C0268579, MONDO:0011628, OMIM 606054, HP:0003571.

Allele frequency attached by ClinVar (database versions not stated): ESP Exome Variant Server 0.00607; TOPMed 0.00714; 1000 Genomes Project 0.00280; 1000 Genomes Project 30x 0.00312; gnomAD 0.00606.
gnomAD v4.1: 13,540 of 1,565,676 alleles (0.86%); highest among the groups gnomAD compares: Middle Eastern, 3.6%; 74 homozygotes.

Submissions 1 to 30 of 44:

CeGaT Center for Human Genetics Tuebingen
Classification: Likely benign. Last evaluated: 2026-08-01. Review status: criteria provided, single submitter. Criteria: CeGaT Center For Human Genetics Tuebingen Variant Classification Criteria Version 2. Collection method: clinical testing. Allele origin: germline. Affected: yes. Observed: 10 variant alleles.
Comment: PCCA: BP4, BS2

Labcorp Genetics (formerly Invitae), Labcorp
Classification: Benign for Propionic acidemia. Last evaluated: 2026-02-04. Review status: criteria provided, single submitter. Criteria: Invitae Variant Classification Sherloc (09022015). Collection method: clinical testing. Allele origin: germline.

ARUP Laboratories, Molecular Genetics and Genomics, ARUP Laboratories
Classification: Likely benign for Propionic acidemia. Last evaluated: 2023-09-07. Review status: criteria provided, single submitter. Criteria: ARUP Molecular Germline Variant Investigation Process 2024. Collection method: clinical testing. Allele origin: germline.

Mayo Clinic Laboratories, Mayo Clinic
Classification: Benign. Last evaluated: 2023-08-08. Review status: criteria provided, single submitter. Criteria: ACMG Guidelines, 2015. Collection method: clinical testing. Allele origin: germline. Observed: 21 variant alleles.
Comment: BS1, BS2

Women's Health and Genetics/Laboratory Corporation of America, LabCorp
Classification: Likely benign. Last evaluated: 2022-03-18. Review status: criteria provided, single submitter. Criteria: LabCorp Variant Classification Summary - May 2015. Collection method: clinical testing. Allele origin: germline.

Genome-Nilou Lab
Classification: Likely benign for Propionic acidemia. Last evaluated: 2021-05-18. Review status: criteria provided, single submitter. Criteria: ACMG Guidelines, 2015. Collection method: clinical testing. Allele origin: germline. Affected: no.

Illumina Laboratory Services, Illumina
Classification: Uncertain significance for Propionic acidemia. Last evaluated: 2017-04-27. Review status: criteria provided, single submitter. Criteria: ICSL Variant Classification Criteria 13 December 2019. Collection method: clinical testing. Allele origin: germline.
Comment: This variant was observed as part of a predisposition screen in an ostensibly healthy population. A literature search was performed for the gene, cDNA change, and amino acid change (where applicable). Publications were found based on this search. However, the evidence from the literature, in combination with allele frequency data from public databases where available, was not sufficient to rule this variant in or out of causing disease. Therefore, this variant is classified as a variant of unknown significance.

PreventionGenetics, part of Exact Sciences
Classification: Likely benign. Review status: criteria provided, single submitter. Criteria: ACMG Guidelines, 2015. Collection method: clinical testing. Allele origin: germline.

Natera, Inc.
Classification: Benign for Propionic acidemia. Last evaluated: 2020-09-16. Review status: no assertion criteria provided. Collection method: clinical testing. Allele origin: germline. Not counted in ClinVar's aggregate classification.

Dr. Peter K. Rogan Lab, Western University
No classification provided (evidence only). Condition: Clear cell carcinoma of kidney. Review status: no classification provided. Collection method: in vitro. Allele origin: not applicable. Functional consequence: skipped exon. Not counted in ClinVar's aggregate classification.

Dr. Peter K. Rogan Lab, Western University
No classification provided (evidence only). Condition: Clear cell carcinoma of kidney. Review status: no classification provided. Collection method: in vitro. Allele origin: not applicable. Functional consequence: skipped exon. Not counted in ClinVar's aggregate classification.

Dr. Peter K. Rogan Lab, Western University
No classification provided (evidence only). Condition: Lung cancer. Review status: no classification provided. Collection method: in vitro. Allele origin: not applicable. Functional consequence: skipped exon. Not counted in ClinVar's aggregate classification.

Dr. Peter K. Rogan Lab, Western University
No classification provided (evidence only). Condition: Melanoma. Review status: no classification provided. Collection method: in vitro. Allele origin: not applicable. Functional consequence: skipped exon. Not counted in ClinVar's aggregate classification.

Dr. Peter K. Rogan Lab, Western University
No classification provided (evidence only). Condition: Melanoma. Review status: no classification provided. Collection method: in vitro. Allele origin: not applicable. Functional consequence: skipped exon, retained intron. Not counted in ClinVar's aggregate classification.

Dr. Peter K. Rogan Lab, Western University
No classification provided (evidence only). Condition: Colorectal cancer. Review status: no classification provided. Collection method: in vitro. Allele origin: not applicable. Functional consequence: retained intron. Not counted in ClinVar's aggregate classification.

Dr. Peter K. Rogan Lab, Western University
No classification provided (evidence only). Condition: Colorectal cancer. Review status: no classification provided. Collection method: in vitro. Allele origin: not applicable. Functional consequence: retained intron. Not counted in ClinVar's aggregate classification.

Dr. Peter K. Rogan Lab, Western University
No classification provided (evidence only). Condition: Colorectal cancer. Review status: no classification provided. Collection method: in vitro. Allele origin: not applicable. Functional consequence: skipped exon. Not counted in ClinVar's aggregate classification.

Dr. Peter K. Rogan Lab, Western University
No classification provided (evidence only). Condition: Thyroid cancer, nonmedullary, 1. Review status: no classification provided. Collection method: in vitro. Allele origin: not applicable. Functional consequence: skipped exon. Not counted in ClinVar's aggregate classification.

Dr. Peter K. Rogan Lab, Western University
No classification provided (evidence only). Condition: Thyroid cancer, nonmedullary, 1. Review status: no classification provided. Collection method: in vitro. Allele origin: not applicable. Functional consequence: skipped exon. Not counted in ClinVar's aggregate classification.

Dr. Peter K. Rogan Lab, Western University
No classification provided (evidence only). Condition: Thyroid cancer, nonmedullary, 1. Review status: no classification provided. Collection method: in vitro. Allele origin: not applicable. Functional consequence: skipped exon. Not counted in ClinVar's aggregate classification.

Dr. Peter K. Rogan Lab, Western University
No classification provided (evidence only). Condition: Thyroid cancer, nonmedullary, 1. Review status: no classification provided. Collection method: in vitro. Allele origin: not applicable. Functional consequence: skipped exon. Not counted in ClinVar's aggregate classification.

Dr. Peter K. Rogan Lab, Western University
No classification provided (evidence only). Condition: Thyroid cancer, nonmedullary, 1. Review status: no classification provided. Collection method: in vitro. Allele origin: not applicable. Functional consequence: retained intron. Not counted in ClinVar's aggregate classification.

Dr. Peter K. Rogan Lab, Western University
No classification provided (evidence only). Condition: Thyroid cancer, nonmedullary, 1. Review status: no classification provided. Collection method: in vitro. Allele origin: not applicable. Functional consequence: skipped exon. Not counted in ClinVar's aggregate classification.

Dr. Peter K. Rogan Lab, Western University
No classification provided (evidence only). Condition: Cervical cancer. Review status: no classification provided. Collection method: in vitro. Allele origin: not applicable. Functional consequence: skipped exon. Not counted in ClinVar's aggregate classification.

Dr. Peter K. Rogan Lab, Western University
No classification provided (evidence only). Condition: Cervical cancer. Review status: no classification provided. Collection method: in vitro. Allele origin: not applicable. Functional consequence: skipped exon. Not counted in ClinVar's aggregate classification.

Dr. Peter K. Rogan Lab, Western University
No classification provided (evidence only). Condition: Cervical cancer. Review status: no classification provided. Collection method: in vitro. Allele origin: not applicable. Functional consequence: retained intron. Not counted in ClinVar's aggregate classification.

Dr. Peter K. Rogan Lab, Western University
No classification provided (evidence only). Condition: Hepatocellular carcinoma. Review status: no classification provided. Collection method: in vitro. Allele origin: not applicable. Functional consequence: skipped exon, retained intron. Not counted in ClinVar's aggregate classification.

Dr. Peter K. Rogan Lab, Western University
No classification provided (evidence only). Condition: Nonpapillary renal cell carcinoma. Review status: no classification provided. Collection method: in vitro. Allele origin: not applicable. Functional consequence: skipped exon, retained intron. Not counted in ClinVar's aggregate classification.

Dr. Peter K. Rogan Lab, Western University
No classification provided (evidence only). Condition: Nonpapillary renal cell carcinoma. Review status: no classification provided. Collection method: in vitro. Allele origin: not applicable. Functional consequence: skipped exon, retained intron. Not counted in ClinVar's aggregate classification.

Dr. Peter K. Rogan Lab, Western University
No classification provided (evidence only). Condition: Thymoma. Review status: no classification provided. Collection method: in vitro. Allele origin: not applicable. Functional consequence: retained intron. Not counted in ClinVar's aggregate classification.

NM_000282.4(PCCA):c.1651G>T (p.Val551Phe)

Gene: PCCA (propionyl-CoA carboxylase subunit alpha; plus strand). Cytogenetic location: 13q32.3.
Variant type: single nucleotide variant.
Coding change: c.1651G>T on transcript NM_000282.4 (MANE Select); coding-DNA position 1651, G replaced by T.
Protein change: p.Val551Phe; replaces valine 551 with phenylalanine.
Molecular consequence: missense variant. On other transcripts: non-coding transcript variant (2).
Genome position (GRCh38, 1-based): chr13:100,368,479, G>T. VCF-style: chr13-100368479-G-T. GRCh37 (hg19) VCF-style: chr13-101020733-G-T.
Other names: c.1573G>T, p.Val525Phe (NM_001127692.3, NM_001352607.2); c.1651G>T, p.Val551Phe (NM_001178004.2, NM_001352605.2, NM_001352609.2); c.1507G>T, p.Val503Phe (NM_001352606.2); c.1429G>T, p.Val477Phe (NM_001352608.2); c.706G>T, p.Val236Phe (NM_001352610.2, NM_001352611.2); c.562G>T, p.Val188Phe (NM_001352612.2); short protein forms V551F, V477F, V236F, V525F, V188F, V503F.
Identifiers: ClinVar variation 38865 (VCV000038865.58), dbSNP rs61749895, ClinGen allele CA292687.